The following is an entry in ClinVar:

NM_001127178.3(PIGG):c.1193C>G (p.Ser398Ter)

Gene: PIGG (phosphatidylinositol glycan anchor biosynthesis class G (EMM blood group); plus strand). Cytogenetic location: 4p16.3.
Variant type: single nucleotide variant.
Coding change: c.1193C>G on transcript NM_001127178.3 (MANE Select); coding-DNA position 1193, C replaced by G.
Protein change: p.Ser398Ter; replaces serine 398 with a stop codon.
Molecular consequence: nonsense. On other transcripts: 5 prime UTR variant (2), non-coding transcript variant (10), intron variant (1).
Genome position (GRCh38, 1-based): chr4:521,134, C>G. VCF-style: chr4-521134-C-G. GRCh37 (hg19) VCF-style: chr4-514923-C-G.
Other names: c.926C>G, p.Ser309Ter (NM_001289051.2, NM_001289053.2, NM_001345986.2 and 1 more transcripts); c.794C>G, p.Ser265Ter (NM_001289052.2); c.827C>G, p.Ser276Ter (NM_001289055.2); c.164C>G, p.Ser55Ter (NM_001345988.2); c.1193C>G, p.Ser398Ter (NM_001345989.2, NM_017733.5); c.-295C>G (NM_001345990.2, NM_001345991.2); c.119C>G, p.Ser40Ter (NM_001345994.2); c.848-526C>G (NM_001289057.2); short protein forms S265*, S276*, S309*, S398*, S40*, S55*.
Identifiers: ClinVar variation 1805898 (VCV001805898.2), dbSNP rs2474872027, ClinGen allele CA355903766.

ClinVar aggregate classification (germline): Pathogenic (1 of 4 stars; one submission).

Conditions:
Intellectual disability, autosomal recessive 53 (NEDHSCA). Also called: NEURODEVELOPMENTAL DISORDER WITH OR WITHOUT HYPOTONIA, SEIZURES, AND CEREBELLAR ATROPHY; GLYCOSYLPHOSPHATIDYLINOSITOL BIOSYNTHESIS DEFECT 13; Mental retardation, autosomal recessive 53. Identifiers: Orphanet 488635, MedGen C4310794, MONDO:0014832, OMIM 616917.

gnomAD v4.1: 11 of 1,614,048 alleles (0.00068%); highest among the groups gnomAD compares: African/African-American, 0.0013%; no homozygotes.

Submission:

Victorian Clinical Genetics Services, Murdoch Childrens Research Institute
Classification: Pathogenic for Intellectual disability, autosomal recessive 53. Last evaluated: 2023-07-16. Review status: criteria provided, single submitter. Criteria: ACMG Guidelines, 2015. Collection method: clinical testing. Allele origin: germline. Inheritance: Autosomal recessive inheritance. Affected: yes.
Comment: Based on the classification scheme VCGS_Germline_v1.3.4, this variant is classified as Pathogenic. Following criteria are met: 0102 - Loss of function is a known mechanism of disease in this gene and is associated with neurodevelopmental disorder with or without hypotonia, seizures, and cerebellar atrophy (MIM#616917). (I) 0106 - This gene is associated with autosomal recessive disease. (I) 0201 - Variant is predicted to cause nonsense-mediated decay (NMD) and loss of protein (premature termination codon is located at least 54 nucleotides upstream of the final exon-exon junction). (SP) 0251 - This variant is heterozygous. (I) 0301 - Variant is absent from gnomAD (both v2 and v3). (SP) 0701 - Other NMD predicted variants comparable to the one identified in this case have very strong previous evidence for pathogenicity (DECIPHER). (SP) 0807 - This variant has no previous evidence of pathogenicity. (I) 0905 - No published segregation evidence has been identified for this variant. (I) 1007 - No published functional evidence has been identified for this variant. (I) 1208 - Inheritance information for this variant is not currently available in this individual. (I) Legend: (SP) - Supporting pathogenic, (I) - Information, (SB) - Supporting benign